The following is an entry in ClinVar:

ClinVar aggregate classification (germline): Pathogenic. Review status: criteria provided, multiple submitters, no conflicts (2 of 4 stars). 9 submissions from 9 submitters: Pathogenic (8). 1 of the submissions does not count toward it. Last evaluated 2025-09-15.

Conditions:
Neuronal ceroid lipofuscinosis. Also called: Neuronal Ceroid Lipofuscinoses. Identifiers: Orphanet 216, Orphanet 79263, MedGen C0027877, MONDO:0016295. Disease mechanism: loss of function.
Neuronal ceroid lipofuscinosis 5 (CLN5). Also called: CEROID LIPOFUSCINOSIS, NEURONAL, 5, VARIABLE AGE AT ONSET; Neuronal ceroid lipofuscinosis Finnish variant; NEURONAL CEROID LIPOFUSCINOSIS, LATE INFANTILE, FINNISH VARIANT; CLN5-Related Neuronal Ceroid-Lipofuscinosis. Identifiers: Orphanet 168491, Orphanet 228360, MedGen C1850442, MONDO:0009745, OMIM 256731.

Submissions (9):

Natera, Inc.
Classification: Pathogenic for Neuronal ceroid lipofuscinosis. Last evaluated: 2025-09-15. Review status: criteria provided, single submitter. Criteria: Natera Variant Classification Schema (03/2026). Collection method: clinical testing. Allele origin: germline.
Comment: The c.1103_1106delAACA variant in CLN5 is a frameshift variant predicted to shift the reading frame beginning at codon 368 and leads to a stop codon 15 codons downstream. This variant is expected to result in nonsense mediated decay, truncation, or a dysfunctional protein product. This variant is rare in the general population with a frequency below the threshold expected for the associated phenotype(s). This variant has been observed in one or more individuals affected with the associated recessive disease, as either homozygous or compound heterozygous with a second variant (PMID: 20157158, 31105743). Given the available evidence, this variant is classified as Pathogenic.

Labcorp Genetics (formerly Invitae), Labcorp
Classification: Pathogenic for Neuronal ceroid lipofuscinosis. Last evaluated: 2025-09-10. Review status: criteria provided, single submitter. Criteria: Invitae Variant Classification Sherloc (09022015). Collection method: clinical testing. Allele origin: germline.
Comment: This sequence change creates a premature translational stop signal (p.Lys368Serfs*15) in the CLN5 gene. While this is not anticipated to result in nonsense mediated decay, it is expected to disrupt the last 40 amino acid(s) of the CLN5 protein. This variant is present in population databases (rs386833967, gnomAD 0.01%). This premature translational stop signal has been observed in individual(s) with neuronal ceroid liopfuscinosis (PMID: 20157158, 20960652, 22532218, 25976102; internal data). In at least one individual the data is consistent with being in trans (on the opposite chromosome) from a pathogenic variant. This variant is also known as c.1002_1006delAACA. ClinVar contains an entry for this variant (Variation ID: 56529). Experimental studies and prediction algorithms are not available or were not evaluated, and the functional significance of this variant is currently unknown. For these reasons, this variant has been classified as Pathogenic.

Fulgent Genetics
Classification: Pathogenic for Neuronal ceroid lipofuscinosis 5. Last evaluated: 2024-05-14. Review status: criteria provided, single submitter. Criteria: ACMG Guidelines, 2015. Collection method: clinical testing. Allele origin: germline.

Baylor Genetics
Classification: Pathogenic for Neuronal ceroid lipofuscinosis 5. Last evaluated: 2023-12-26. Review status: criteria provided, single submitter. Criteria: ACMG Guidelines, 2015. Collection method: clinical testing. Allele origin: unknown.

Women's Health and Genetics/Laboratory Corporation of America, LabCorp
Classification: Pathogenic for Neuronal ceroid lipofuscinosis. Last evaluated: 2022-07-13. Review status: criteria provided, single submitter. Criteria: LabCorp Variant Classification Summary - May 2015. Collection method: clinical testing. Allele origin: germline.
Comment: Variant summary: CLN5 c.956_959delAACA (p.Lys319SerfsX15) results in a premature termination codon, predicted to cause a truncation of the encoded protein or absence of the protein due to nonsense mediated decay, which are commonly known mechanisms for disease. Truncations downstream of this position have been classified as pathogenic by our laboratory. The variant was absent in 243956 control chromosomes. c.1103_1106delAACA has been reported in the literature in individuals affected with Neuronal Ceroid-Lipofuscinosis (Batten Disease) (e.g. Kohan_2015, Ren_2019, Xin_2010). These data indicate that the variant is likely to be associated with disease. To our knowledge, no experimental evidence demonstrating an impact on protein function has been reported. Four clinical diagnostic laboratories have submitted clinical-significance assessments for this variant to ClinVar after 2014 without evidence for independent evaluation. All laboratories classified the variant as pathogenic/likely pathogenic. Based on the evidence outlined above, the variant was classified as pathogenic.

Revvity Omics, Revvity
Classification: Pathogenic for Neuronal ceroid lipofuscinosis 5. Last evaluated: 2021-11-15. Review status: criteria provided, single submitter. Criteria: ACMG Guidelines, 2015. Collection method: clinical testing. Allele origin: germline.

Genome-Nilou Lab
Classification: Pathogenic for Neuronal ceroid lipofuscinosis 5. Last evaluated: 2021-08-10. Review status: criteria provided, single submitter. Criteria: ACMG Guidelines, 2015. Collection method: clinical testing. Allele origin: germline. Affected: no.

GeneDx
Classification: Pathogenic. Last evaluated: 2021-03-17. Review status: criteria provided, single submitter. Criteria: GeneDx Variant Classification Process June 2021. Collection method: clinical testing. Allele origin: germline. Affected: yes.
Comment: Frameshift variant predicted to result in protein truncation, as the last 40 amino acids are replaced with 14 different amino acids, and other loss-of-function variants have been reported downstream in the Human Gene Mutation Database (Stenson et al., 2014); Not observed at a significant frequency in large population cohorts (Lek et al., 2016); This variant is associated with the following publications: (PMID: 31105743, 20157158, 32983231, 21990111, 22532218, 20960652)

Juha Muilu Group; Institute for Molecular Medicine Finland (FIMM)
Classification: Likely pathogenic for Ceroid lipofuscinosis neuronal 5. Review status: no assertion criteria provided. Collection method: not provided. Allele origin: unknown. Not counted in ClinVar's aggregate classification.
Comment: FinDis database variant: This variant was not found or characterized by our laboratory, data were collected from public sources: see reference
ClinVar note: Converted during submission from probable-pathogenic to Likely pathogenic.

Literature cited by the submitters: PubMed 20157158 (cited by 3 submitters); PubMed 31105743 (cited by Natera, Inc. and Women's Health and Genetics/Laboratory Corporation of America, LabCorp); PubMed 20960652 (cited by Labcorp Genetics (formerly Invitae), Labcorp and Women's Health and Genetics/Laboratory Corporation of America, LabCorp); PubMed 22532218 (cited by Labcorp Genetics (formerly Invitae), Labcorp and Women's Health and Genetics/Laboratory Corporation of America, LabCorp); PubMed 25976102 (cited by Labcorp Genetics (formerly Invitae), Labcorp and Women's Health and Genetics/Laboratory Corporation of America, LabCorp).

NM_006493.4(CLN5):c.956_959del (p.Lys319fs)

Gene: CLN5 (CLN5 lysosomal BMP synthase; plus strand). Cytogenetic location: 13q22.3.
Variant type: Deletion.
Coding change: c.956_959del on transcript NM_006493.4 (MANE Select); coding-DNA positions 956 to 959, 4 bases deleted (AACA; older notation c.956_959delAACA).
Protein change: p.Lys319fs; shifts the reading frame from lysine 319.
Molecular consequence: frameshift variant. On other transcripts: 3 prime UTR variant (1).
Genome position (GRCh38, 1-based): chr13:77,000,848-77,000,851, AACA deleted; deleting any 4 consecutive bases within chr13:77,000,845-77,000,851 gives the same sequence; the c. name uses the placement nearest the transcript's 3' end. VCF-style (leftmost placement, unchanged base first): chr13-77000844-CACAA-C. GRCh37 (hg19) VCF-style: chr13-77574979-CACAA-C.
Other names: c.*405_*408del (NM_001366624.2); c.1103_1106del (NM_006493.2, LRG_692t1); c.956_959delAACA (NM_006493.4); short protein forms K319fs.
Identifiers: ClinVar variation 56529 (VCV000056529.24), dbSNP rs386833967, ClinGen allele CA263879.
Genomic context (GRCh38, chr13:77,000,844, plus strand): 5'-CATTTGCCAACTAAAGAATTTCTGTTGAGTCTCTTGCAAATTTTTGATGCAGTGATTGTG[CACAA>C]ACAGTTCTATTTGTTTTATAATTTTGAATATTGGTTTTTACCTATGAAATTCCCTTTTAT-3'